The following is an entry in ClinVar:

NM_004380.3(CREBBP):c.1941+4G>C

Gene: CREBBP (CREB binding lysine acetyltransferase; minus strand). Cytogenetic location: 16p13.3.
Variant type: single nucleotide variant.
Coding change: c.1941+4G>C on transcript NM_004380.3 (MANE Select); 4 bases into the intron after coding-DNA position 1941, G replaced by C.
Molecular consequence: intron variant.
Genome position (GRCh38, 1-based): chr16:3,778,696, C>G on the plus strand (G>C on the coding strand, the complement: CREBBP is on the minus strand). VCF-style: chr16-3778696-C-G. GRCh37 (hg19) VCF-style: chr16-3828697-C-G.
Other names: c.1827+4G>C (NM_001079846.1); c.1941+4G>C (NM_004380.2).
Identifiers: ClinVar variation 2959140 (VCV002959140.4), dbSNP rs1168515607, ClinGen allele CA620459453.

ClinVar aggregate classification (germline): Conflicting classifications of pathogenicity. Review status: criteria provided, conflicting classifications (1 of 4 stars). 2 submissions from 2 submitters: Uncertain significance (1); Likely benign (1). Last evaluated 2025-12-17.

Conditions:
Rubinstein-Taybi syndrome (RSTS). Identifiers: Orphanet 783, MedGen C0035934, MONDO:0019188.
CREBBP-related disorder. Also called: CREBBP-related condition; CREBBP-related disorders.

Allele frequency attached by ClinVar (database versions not stated): TOPMed below 0.00001; gnomAD 0.00001.
gnomAD v4.1: 8 of 1,606,748 alleles (0.0005%); highest among the groups gnomAD compares: African/African-American, 0.0013%; no homozygotes.

Submissions (2):

PreventionGenetics, part of Exact Sciences
Classification: Likely benign for CREBBP-related condition. Last evaluated: 2025-12-17. Review status: criteria provided, single submitter. Criteria: ACMG Guidelines, 2015. Collection method: clinical testing. Allele origin: germline.
Comment: This variant is classified as likely benign based on ACMG/AMP sequence variant interpretation guidelines (Richards et al. 2015 PMID: 25741868, with internal and published modifications).

Labcorp Genetics (formerly Invitae), Labcorp
Classification: Uncertain significance for Rubinstein-Taybi syndrome. Last evaluated: 2025-09-12. Review status: criteria provided, single submitter. Criteria: Invitae Variant Classification Sherloc (09022015). Collection method: clinical testing. Allele origin: germline.
Comment: This sequence change falls in intron 9 of the CREBBP gene. It does not directly change the encoded amino acid sequence of the CREBBP protein. It affects a nucleotide within the consensus splice site. This variant is present in population databases (no rsID available, gnomAD 0.0009%). This variant has not been reported in the literature in individuals affected with CREBBP-related conditions. ClinVar contains an entry for this variant (Variation ID: 2959140). Variants that disrupt the consensus splice site are a relatively common cause of aberrant splicing (PMID: 17576681, 9536098). Algorithms developed to predict the effect of sequence changes on RNA splicing suggest that this variant is not likely to affect RNA splicing. In summary, the available evidence is currently insufficient to determine the role of this variant in disease. Therefore, it has been classified as a Variant of Uncertain Significance.

Literature cited by the submitters: PubMed 17576681 (cited by Labcorp Genetics (formerly Invitae), Labcorp); PubMed 9536098 (cited by Labcorp Genetics (formerly Invitae), Labcorp).